The following is an entry in ClinVar:

NM_006949.4(STXBP2):c.824G>A (p.Arg275Gln)

Gene: STXBP2 (syntaxin binding protein 2; plus strand). Cytogenetic location: 19p13.2.
Variant type: single nucleotide variant.
Coding change: c.824G>A on transcript NM_006949.4 (MANE Select); coding-DNA position 824, G replaced by A.
Protein change: p.Arg275Gln; replaces arginine 275 with glutamine.
Molecular consequence: missense variant. On other transcripts: non-coding transcript variant (1).
Genome position (GRCh38, 1-based): chr19:7,642,458, G>A. VCF-style: chr19-7642458-G-A. GRCh37 (hg19) VCF-style: chr19-7707344-G-A.
Other names: c.815G>A, p.Arg272Gln (NM_001127396.3); c.857G>A, p.Arg286Gln (NM_001272034.2); short protein forms R275Q, R272Q, R286Q.
Identifiers: ClinVar variation 654154 (VCV000654154.4), dbSNP rs149111957, ClinGen allele CA304907461.
Genomic context (GRCh38, chr19:7,642,458, plus strand): 5'-CTGACCCCCAGGCTCCCTCCTTCCTCCCCAGGTATGAGACCACCGGGCTGAGCGAGGCGC[G>A]GGAGAAGGCCGTCTTGCTGGACGAGGACGATGACTTGTGGGTGGAGCTTCGCCACATGCA-3'
Protein context (NP_008880.2, residues 265-285): RYETTGLSEA[Arg275Gln]EKAVLLDEDD

ClinVar aggregate classification (germline): Uncertain significance (1 of 4 stars; one submission).

Conditions:
Familial hemophagocytic lymphohistiocytosis 5. Also called: STXBP2-Related Familial Hemophagocytic Lymphohistiocytosis (STXBP2-fHLH). Identifiers: Orphanet 540, MedGen C2751293, MONDO:0013135, OMIM 613101.

Allele frequency attached by ClinVar (database versions not stated): gnomAD exomes below 0.00001 and 0.00002; TOPMed 0.00002; gnomAD 0.00003; ESP Exome Variant Server 0.00008.
gnomAD v4.1: 27 of 1,613,842 alleles (0.0017%); highest among the groups gnomAD compares: Non-Finnish European, 0.0019%; no homozygotes.

Submission:

Labcorp Genetics (formerly Invitae), Labcorp
Classification: Uncertain significance for Familial hemophagocytic lymphohistiocytosis 5. Last evaluated: 2022-03-19. Review status: criteria provided, single submitter. Criteria: Invitae Variant Classification Sherloc (09022015). Collection method: clinical testing. Allele origin: germline.
Comment: This sequence change replaces arginine, which is basic and polar, with glutamine, which is neutral and polar, at codon 275 of the STXBP2 protein (p.Arg275Gln). This variant is not present in population databases (gnomAD no frequency). This variant has not been reported in the literature in individuals affected with STXBP2-related conditions. ClinVar contains an entry for this variant (Variation ID: 654154). Algorithms developed to predict the effect of missense changes on protein structure and function output the following: SIFT: "Tolerated"; PolyPhen-2: "Benign"; Align-GVGD: "Class C0". The glutamine amino acid residue is found in multiple mammalian species, which suggests that this missense change does not adversely affect protein function. In summary, the available evidence is currently insufficient to determine the role of this variant in disease. Therefore, it has been classified as a Variant of Uncertain Significance.